The following is an entry in ClinVar:

NM_004586.3(RPS6KA3):c.923C>A (p.Ala308Glu)

Gene: RPS6KA3 (ribosomal protein S6 kinase A3; minus strand). Cytogenetic location: Xp22.12.
Variant type: single nucleotide variant.
Coding change: c.923C>A on transcript NM_004586.3 (MANE Select); coding-DNA position 923, C replaced by A.
Protein change: p.Ala308Glu; replaces alanine 308 with glutamic acid.
Molecular consequence: missense variant.
Genome position (GRCh38, 1-based): chrX:20,177,007, G>T on the plus strand (C>A on the coding strand, the complement: RPS6KA3 is on the minus strand). VCF-style: chrX-20177007-G-T. GRCh37 (hg19) VCF-style: chrX-20195125-G-T.
Other names: short protein forms A308E.
Identifiers: ClinVar variation 546544 (VCV000546544.2), dbSNP rs1555933752, ClinGen allele CA412518250.

ClinVar aggregate classification (germline): Uncertain significance (1 of 4 stars; one submission).

Submission:

GeneDx
Classification: Uncertain significance. Last evaluated: 2018-05-30. Review status: criteria provided, single submitter. Criteria: GeneDx Variant Classification (06012015). Collection method: clinical testing. Allele origin: germline. Affected: yes.
Comment: A variant of uncertain significance has been identified in the RPS6KA3 gene. The A308E variant has not been published as a pathogenic variant, nor has it been reported as a benign variant to our knowledge. The A308E variant is not observed in large population cohorts (Lek et al., 2016). The A308E variant is a non-conservative amino acid substitution, which is likely to impact secondary protein structure as these residues differ in polarity, charge, size and/or other properties. However, in-silico analyses, including protein predictors and evolutionary conservation, support that this variant does not alter protein structure/function. Therefore, based on the currently available information, it is unclear whether this variant is a pathogenic variant or a rare benign variant.